The following is an entry in ClinVar:

NM_001793.6(CDH3):c.475G>A (p.Ala159Thr)

Gene: CDH3 (cadherin 3; plus strand). Cytogenetic location: 16q22.1.
Variant type: single nucleotide variant.
Coding change: c.475G>A on transcript NM_001793.6 (MANE Select); coding-DNA position 475, G replaced by A.
Protein change: p.Ala159Thr; replaces alanine 159 with threonine.
Molecular consequence: missense variant.
Genome position (GRCh38, 1-based): chr16:68,678,585, G>A. VCF-style: chr16-68678585-G-A. GRCh37 (hg19) VCF-style: chr16-68712488-G-A.
Other names: c.475G>A, p.Ala159Thr (NM_001317195.3); c.310G>A, p.Ala104Thr (NM_001317196.2); short protein forms A159T, A104T.
Identifiers: ClinVar variation 1402815 (VCV001402815.6), dbSNP rs773525226, ClinGen allele CA8129045.

ClinVar aggregate classification (germline): Uncertain significance. Review status: criteria provided, multiple submitters, no conflicts (2 of 4 stars). 2 submissions from 2 submitters: Uncertain significance (2). Last evaluated 2022-08-21.

Conditions:
Congenital hypotrichosis with juvenile macular dystrophy (HJMD). Also called: HYPOTRICHOSIS WITH CONE-ROD DYSTROPHY. Identifiers: Orphanet 1573, MedGen C1832162, MONDO:0011107, OMIM 601553.
EEM syndrome (EEMS). Identifiers: Orphanet 1897, MedGen C1857041, MONDO:0009155, OMIM 225280.

Allele frequency attached by ClinVar (database versions not stated): gnomAD exomes below 0.00001 and 0.00001; gnomAD 0.00001; ExAC 0.00002; TOPMed 0.00005.

Submissions (2):

Labcorp Genetics (formerly Invitae), Labcorp
Classification: Uncertain significance. Last evaluated: 2022-08-21. Review status: criteria provided, single submitter. Criteria: Invitae Variant Classification Sherloc (09022015). Collection method: clinical testing. Allele origin: germline.
Comment: This sequence change replaces alanine, which is neutral and non-polar, with threonine, which is neutral and polar, at codon 159 of the CDH3 protein (p.Ala159Thr). This variant is present in population databases (rs773525226, gnomAD 0.0009%). This variant has not been reported in the literature in individuals affected with CDH3-related conditions. ClinVar contains an entry for this variant (Variation ID: 1402815). Algorithms developed to predict the effect of missense changes on protein structure and function output the following: SIFT: "Not Available"; PolyPhen-2: "Benign"; Align-GVGD: "Not Available". The threonine amino acid residue is found in multiple mammalian species, which suggests that this missense change does not adversely affect protein function. In summary, the available evidence is currently insufficient to determine the role of this variant in disease. Therefore, it has been classified as a Variant of Uncertain Significance.

Fulgent Genetics
Classification: Uncertain significance for EEM syndrome; Congenital hypotrichosis with juvenile macular dystrophy. Last evaluated: 2021-10-11. Review status: criteria provided, single submitter. Criteria: ACMG Guidelines, 2015. Collection method: clinical testing. Allele origin: unknown.